The following is an entry in ClinVar:

ClinVar aggregate classification (germline): Pathogenic. Review status: criteria provided, multiple submitters, no conflicts (2 of 4 stars). 4 submissions from 4 submitters: Pathogenic (3). 1 of the submissions does not count toward it. Last evaluated 2026-02-16.

Conditions:
ACCES syndrome (ACCES). Also called: APLASIA CUTIS CONGENITA WITH ECTRODACTYLY SKELETAL SYNDROME. Identifiers: MedGen C5677019, MONDO:0859262, OMIM 619959.
UBA2-related disorder.

gnomAD v4.1: 5 of 1,599,766 alleles (0.00031%); highest among the groups gnomAD compares: Non-Finnish European, 0.00043%; no homozygotes.

Submissions (4):

PreventionGenetics, part of Exact Sciences
Classification: Pathogenic for UBA2-related condition. Last evaluated: 2026-02-16. Review status: criteria provided, single submitter. Criteria: ACMG Guidelines, 2015. Collection method: clinical testing. Allele origin: germline.
Comment: The UBA2 c.364C>T variant is predicted to result in premature protein termination (p.Arg122*). This variant was reported in individuals with aplasia cutis congenita; in one family, this variant segregated with disease in affected individuals (Schnur et al. 2021. PubMed ID: 34040189). This variant was also described as de novo in an individual with congenital diaphragmatic hernia (supplementary data, Qiao et al. 2021. PubMed ID: 34547244; Hardcastle et al. 2022. PubMed ID: 35904974). This variant has not been reported in a large population database (gnomAD), indicating this variant is rare. Nonsense variants in UBA2 are expected to be pathogenic. This variant is interpreted as pathogenic.

Labcorp Genetics (formerly Invitae), Labcorp
Classification: Pathogenic. Last evaluated: 2024-01-23. Review status: criteria provided, single submitter. Criteria: Invitae Variant Classification Sherloc (09022015). Collection method: clinical testing. Allele origin: germline.
Comment: This sequence change creates a premature translational stop signal (p.Arg122*) in the UBA2 gene. It is expected to result in an absent or disrupted protein product. Loss-of-function variants in UBA2 are known to be pathogenic (PMID: 31332306, 31587267, 32758660). This variant is not present in population databases (gnomAD no frequency). This premature translational stop signal has been observed in individual(s) with aplasia cutis congenita and polythelia (PMID: 34040189; Invitae). It has also been observed to segregate with disease in related individuals. ClinVar contains an entry for this variant (Variation ID: 654989). For these reasons, this variant has been classified as Pathogenic.

Daryl Scott Lab, Baylor College of Medicine
Classification: Pathogenic for UBA2-related disorder. Last evaluated: 2022-01-27. Review status: criteria provided, single submitter. Criteria: ACMG Guidelines, 2015. Collection method: research. Allele origin: de novo. Affected: yes. Observed: 1 variant allele, 1 heterozygote.

OMIM
Classification: Pathogenic for ACCES SYNDROME. Last evaluated: 2022-07-14. Review status: no assertion criteria provided. Collection method: literature only. Allele origin: germline. Not counted in ClinVar's aggregate classification.

Literature cited by the submitters: PubMed 31332306 (cited by Labcorp Genetics (formerly Invitae), Labcorp); PubMed 31587267 (cited by Labcorp Genetics (formerly Invitae), Labcorp); PubMed 32758660 (cited by Labcorp Genetics (formerly Invitae), Labcorp); PubMed 34040189 (cited by Labcorp Genetics (formerly Invitae), Labcorp and OMIM); PubMed 35904974 (cited by Daryl Scott Lab, Baylor College of Medicine); PubMed 11920840 (cited by OMIM).

NM_005499.3(UBA2):c.364C>T (p.Arg122Ter)

Gene: UBA2 (ubiquitin like modifier activating enzyme 2; plus strand). Cytogenetic location: 19q13.11.
Variant type: single nucleotide variant.
Coding change: c.364C>T on transcript NM_005499.3 (MANE Select); coding-DNA position 364, C replaced by T.
Protein change: p.Arg122Ter; replaces arginine 122 with a stop codon.
Molecular consequence: nonsense.
Genome position (GRCh38, 1-based): chr19:34,434,873, C>T. VCF-style: chr19-34434873-C-T. GRCh37 (hg19) VCF-style: chr19-34925778-C-T.
Other names: short protein forms R122*.
Identifiers: ClinVar variation 654989 (VCV000654989.12), dbSNP rs1599889628, ClinGen allele CA405254340.